The following is an entry in ClinVar:

NM_000128.4(F11):c.1778C>T (p.Thr593Met)

Genes: F11 (coagulation factor XI; plus strand), F11-AS1 (F11 antisense RNA 1; minus strand). Cytogenetic location: 4q35.2.
Variant type: single nucleotide variant.
Coding change: c.1778C>T on transcript NM_000128.4 (MANE Select); coding-DNA position 1778, C replaced by T.
Protein change: p.Thr593Met; replaces threonine 593 with methionine.
Molecular consequence: missense variant. On other transcripts: non-coding transcript variant (1).
Genome position (GRCh38, 1-based): chr4:186,288,514, C>T. VCF-style: chr4-186288514-C-T. GRCh37 (hg19) VCF-style: chr4-187209668-C-T.
Other names: short protein forms T593M.
Identifiers: ClinVar variation 371214 (VCV000371214.16), dbSNP rs145906668, ClinGen allele CA3164121.
Genomic context (GRCh38, chr4:186,288,514, plus strand): 5'-GAGATTCGGGAGGCCCTCTGTCCTGCAAACACAATGAGGTCTGGCATCTGGTAGGCATCA[C>T]GAGCTGGGGCGAAGGCTGTGCTCAAAGGGAGCGGCCAGGTGTTTACACCAACGTGGTCGA-3'
Protein context (NP_000119.1, residues 583-603): HNEVWHLVGI[Thr593Met]SWGEGCAQRE

ClinVar aggregate classification (germline): Pathogenic/Likely pathogenic. Review status: criteria provided, multiple submitters, no conflicts (2 of 4 stars). 7 submissions from 7 submitters: Pathogenic (2); Likely pathogenic (4). 1 of the submissions does not count toward it. Last evaluated 2025-06-12.

Conditions:
Hereditary factor XI deficiency disease. Also called: Congenital factor XI deficiency; PLASMA THROMBOPLASTIN ANTECEDENT DEFICIENCY; PTA DEFICIENCY; ROSENTHAL SYNDROME. Identifiers: Orphanet 329, MedGen C0015523, MeSH D005173, MONDO:0012897, OMIM 612416.
Plasma factor XI deficiency.

Allele frequency attached by ClinVar (database versions not stated): gnomAD exomes 0.00003 and 0.00004; TOPMed 0.00006; ExAC 0.00007; ESP Exome Variant Server 0.00008.
gnomAD v4.1: 50 of 1,614,052 alleles (0.0031%); highest among the groups gnomAD compares: Middle Eastern, 0.016%; no homozygotes.

Submissions (7):

Natera, Inc.
Classification: Likely pathogenic for Plasma factor XI deficiency. Last evaluated: 2025-06-12. Review status: criteria provided, single submitter. Criteria: Natera Variant Classification Schema (03/2026). Collection method: clinical testing. Allele origin: germline.
Comment: The c.1778C>T variant in F11 is a missense variant predicted to cause substitution of threonine to methionine at amino acid 593. This variant is rare in the general population with a frequency below the threshold expected for the associated phenotype(s). This variant has been observed in one or more individuals affected with the associated recessive disease, as either homozygous or compound heterozygous with a second variant (PMID: 15749683, 14717969, 27067486). Functional studies show that this variant may disrupt protein function (PMID: 17549289). Computational prediction algorithms indicate this variant is likely to affect gene or protein function. Given the available evidence, this variant is classified as Likely Pathogenic.

Labcorp Genetics (formerly Invitae), Labcorp
Classification: Pathogenic. Last evaluated: 2024-02-17. Review status: criteria provided, single submitter. Criteria: Invitae Variant Classification Sherloc (09022015). Collection method: clinical testing. Allele origin: germline.
Comment: This sequence change replaces threonine, which is neutral and polar, with methionine, which is neutral and non-polar, at codon 593 of the F11 protein (p.Thr593Met). This variant is present in population databases (rs145906668, gnomAD 0.01%). This missense change has been observed in individuals with autosomal recessive factor XI deficiency (PMID: 14717969, 15749683, 27067486). It has also been observed to segregate with disease in related individuals. This variant is also known as T575M. ClinVar contains an entry for this variant (Variation ID: 371214). Advanced modeling of protein sequence and biophysical properties (such as structural, functional, and spatial information, amino acid conservation, physicochemical variation, residue mobility, and thermodynamic stability) performed at Invitae indicates that this missense variant is expected to disrupt F11 protein function with a positive predictive value of 95%. Experimental studies have shown that this missense change affects F11 function (PMID: 17549289). For these reasons, this variant has been classified as Pathogenic.

Victorian Clinical Genetics Services, Murdoch Childrens Research Institute
Classification: Pathogenic for Hereditary factor XI deficiency disease. Last evaluated: 2023-07-17. Review status: criteria provided, single submitter. Criteria: ACMG Guidelines, 2015. Collection method: clinical testing. Allele origin: germline. Inheritance: Autosomal dominant inheritance.
Comment: Based on the classification scheme VCGS_Germline_v1.3.4, this variant is classified as Pathogenic. Following criteria are met: 0103 - Dominant negative and loss of function are known mechanisms of disease in this gene and are associated with factor XI deficiency. Dominant negative missense variants tend to have dominant inheritance patterns (PMID:15026311), while loss of function variants are generally recessive, though symptomatic carriers have been reported (OMIM). (I) 0108 - This gene is associated with both recessive and dominant disease. Recessive cases are more severe than cases involving heterozygous carriers, who may be asymptomatic despite having FXI deficiency (PMID:18446632). (I) 0115 - Variants in this gene are known to have variable expressivity. There is a high degree of variable expression. Intrafamilial variation has been reported (PMID: 32118380). (I) 0200 - Variant is predicted to result in a missense amino acid change from threonine to methionine. (I) 0251 - This variant is heterozygous. (I) 0304 - Variant is present in gnomAD (v2) <0.01 (10 heterozygotes, 0 homozygotes). (SP) 0309 - An alternative amino acid change at the same position has been observed in gnomAD (v3) (1 heterozygote, 0 homozygotes). (I) 0501 - Missense variant consistently predicted to be damaging by multiple in silico tools or highly conserved with a major amino acid change. (SP) 0600 - Variant is located in the annotated trypsin domain (DECIPHER). (I) 0710 - Another missense variant comparable to the one identified in this case has inconclusive previous evidence for pathogenicity. This alternative change (p.(Thr593Ala)) has been reported as a VUS (ClinVar). (I) 0801 - This variant has strong previous evidence of pathogenicity in unrelated individuals. This variant has been reported as likely pathogenic and pathogenic (ClinVar, LOVD), and observed in heterozygous, homozygous and compound heterozygous individuals with F11 deficiency (PMID: 15749683; PMID: 14717969, PMID: 16835901, PMID: 31064749, PMID: 37252892). (SP) 1002 - This variant has moderate functional evidence supporting abnormal protein function. Transfected BHK-570 cells have shown this variant results in reduced enzyme activity (PMID: 17549289). (I) Legend: (SP) - Supporting pathogenic, (I) - Information, (SB) - Supporting benign

NIHR Bioresource Rare Diseases, University of Cambridge
Classification: Likely pathogenic for Hereditary factor XI deficiency disease. Last evaluated: 2019-02-01. Review status: criteria provided, single submitter. Criteria: ACMG Guidelines, 2015. Collection method: research. Allele origin: unknown. Affected: yes. Observed: 1 heterozygote. Study: ThromboGenomics.

ISTH-SSC Genomics in Thrombosis and Hemostasis, KU Leuven, Center for Molecular and Vascular Biology
Classification: Likely pathogenic for Hereditary factor XI deficiency disease. Review status: criteria provided, single submitter. Criteria: ACMG Guidelines, 2015. Collection method: clinical testing. Allele origin: germline. Affected: yes. Observed: 1 heterozygote.
Comment: Submitted to the GoldVariant database by Kathleen Freson, Center for Molecular and Vascular Biology

Juno Genomics, Hangzhou Juno Genomics, Inc
Classification: Likely pathogenic for Hereditary factor XI deficiency disease. Review status: criteria provided, single submitter. Criteria: ACMG Guidelines, 2015. Collection method: clinical testing. Allele origin: germline.
Comment: Absent from controls (or at extremely low frequency if recessive) in Genome Aggregation Database.;Multiple lines of computational evidence support a deleterious effect on the gene or gene product.;For recessive disorders, detected in trans with a pathogenic variant.;Patient's phenotype or family history is highly specific for a disease with a single genetic etiology.

Counsyl
Classification: Likely pathogenic for Hereditary factor XI deficiency disease. Last evaluated: 2016-08-03. Review status: no assertion criteria provided. Collection method: clinical testing. Allele origin: unknown. Not counted in ClinVar's aggregate classification.

Literature cited by the submitters: PubMed 15749683 (cited by 4 submitters); PubMed 14717969 (cited by 4 submitters); PubMed 27067486 (cited by 3 submitters); PubMed 17549289 (cited by 4 submitters); PubMed 15026311 (cited by Victorian Clinical Genetics Services, Murdoch Childrens Research Institute); PubMed 16835901 (cited by Victorian Clinical Genetics Services, Murdoch Childrens Research Institute); PubMed 18446632 (cited by Victorian Clinical Genetics Services, Murdoch Childrens Research Institute); PubMed 31064749 (cited by Victorian Clinical Genetics Services, Murdoch Childrens Research Institute and NIHR Bioresource Rare Diseases, University of Cambridge); PubMed 32118380 (cited by Victorian Clinical Genetics Services, Murdoch Childrens Research Institute); PubMed 37252892 (cited by Victorian Clinical Genetics Services, Murdoch Childrens Research Institute).